The following is an entry in ClinVar:

NM_017950.4(CCDC40):c.1025A>G (p.Gln342Arg)

Gene: CCDC40 (coiled-coil domain 40 molecular ruler complex subunit; plus strand). Cytogenetic location: 17q25.3.
Variant type: single nucleotide variant.
Coding change: c.1025A>G on transcript NM_017950.4 (MANE Select); coding-DNA position 1025, A replaced by G.
Protein change: p.Gln342Arg; replaces glutamine 342 with arginine.
Molecular consequence: missense variant.
Genome position (GRCh38, 1-based): chr17:80,050,149, A>G. VCF-style: chr17-80050149-A-G. GRCh37 (hg19) VCF-style: chr17-78023948-A-G.
Other names: c.1025A>G, p.Gln342Arg (NM_001243342.2, NM_001330508.2); short protein forms Q342R.
Identifiers: ClinVar variation 1376807 (VCV001376807.3), dbSNP rs201057426, ClinGen allele CA8813654.

ClinVar aggregate classification (germline): Uncertain significance (1 of 4 stars; one submission).

Conditions:
Primary ciliary dyskinesia. Also called: Ciliary dyskinesia. Identifiers: Orphanet 244, MedGen C0008780, MONDO:0016575, HP:0012265.

Allele frequency attached by ClinVar (database versions not stated): ESP Exome Variant Server 0.00008; TOPMed 0.00014; gnomAD exomes 0.00015 and 0.00016; ExAC 0.00016; gnomAD 0.00017 and 0.00018.
gnomAD v4.1: 244 of 1,613,650 alleles (0.015%); highest among the groups gnomAD compares: Non-Finnish European, 0.02%; no homozygotes.

Submission:

Labcorp Genetics (formerly Invitae), Labcorp
Classification: Uncertain significance for Primary ciliary dyskinesia. Last evaluated: 2022-06-13. Review status: criteria provided, single submitter. Criteria: Invitae Variant Classification Sherloc (09022015). Collection method: clinical testing. Allele origin: germline.
Comment: This sequence change replaces glutamine, which is neutral and polar, with arginine, which is basic and polar, at codon 342 of the CCDC40 protein (p.Gln342Arg). This variant is present in population databases (rs201057426, gnomAD 0.03%). This variant has not been reported in the literature in individuals affected with CCDC40-related conditions. Algorithms developed to predict the effect of missense changes on protein structure and function are either unavailable or do not agree on the potential impact of this missense change (SIFT: "Tolerated"; PolyPhen-2: "Probably Damaging"; Align-GVGD: "Class C0"). In summary, the available evidence is currently insufficient to determine the role of this variant in disease. Therefore, it has been classified as a Variant of Uncertain Significance.